The following is an entry in ClinVar:

ClinVar aggregate classification (germline): Uncertain significance (1 of 4 stars; one submission).

Allele frequency attached by ClinVar (database versions not stated): gnomAD exomes below 0.00001; gnomAD 0.00001; TOPMed 0.00001; ExAC 0.00002; ESP Exome Variant Server 0.00019.
gnomAD v4.1: 2 of 1,210,916 alleles (0.00017%); highest among the groups gnomAD compares: Non-Finnish European, 0.00022%; no homozygotes.

Submission:

Labcorp Genetics (formerly Invitae), Labcorp
Classification: Uncertain significance. Last evaluated: 2025-06-12. Review status: criteria provided, single submitter. Criteria: Invitae Variant Classification Sherloc (09022015). Collection method: clinical testing. Allele origin: germline.
Comment: This sequence change replaces valine, which is neutral and non-polar, with alanine, which is neutral and non-polar, at codon 1117 of the COL4A6 protein (p.Val1117Ala). This variant is present in population databases (rs145044150, gnomAD 0.003%). This variant has not been reported in the literature in individuals affected with COL4A6-related conditions. ClinVar contains an entry for this variant (Variation ID: 1932619). Invitae Evidence Modeling of protein sequence and biophysical properties (such as structural, functional, and spatial information, amino acid conservation, physicochemical variation, residue mobility, and thermodynamic stability) indicates that this missense variant is not expected to disrupt COL4A6 protein function with a negative predictive value of 80%. In summary, the available evidence is currently insufficient to determine the role of this variant in disease. Therefore, it has been classified as a Variant of Uncertain Significance.

NM_033641.4(COL4A6):c.3347T>C (p.Val1116Ala)

Gene: COL4A6 (collagen type IV alpha 6 chain; minus strand). Cytogenetic location: Xq22.3.
Variant type: single nucleotide variant.
Coding change: c.3347T>C on transcript NM_033641.4 (MANE Select); coding-DNA position 3347, T replaced by C.
Protein change: p.Val1116Ala; replaces valine 1116 with alanine.
Molecular consequence: missense variant.
Genome position (GRCh38, 1-based): chrX:108,170,848, A>G on the plus strand (T>C on the coding strand, the complement: COL4A6 is on the minus strand). VCF-style: chrX-108170848-A-G. GRCh37 (hg19) VCF-style: chrX-107414078-A-G.
Other names: c.3398T>C, p.Val1133Ala (NM_001287758.2); c.3347T>C, p.Val1116Ala (NM_001287759.2, NM_001287760.2); c.3350T>C, p.Val1117Ala (NM_001847.4); short protein forms V1133A, V1116A, V1117A.
Identifiers: ClinVar variation 1932619 (VCV001932619.5), dbSNP rs145044150, ClinGen allele CA10487442.